The following is an entry in ClinVar:

ClinVar aggregate classification (germline): Uncertain significance (1 of 4 stars; one submission).

gnomAD v4.1: 1 of 1,614,132 alleles (0.000062%); highest among the groups gnomAD compares: Non-Finnish European, 0.000085%; no homozygotes.

Submission:

GeneDx
Classification: Uncertain significance. Last evaluated: 2024-10-31. Review status: criteria provided, single submitter. Criteria: GeneDx Variant Classification Process June 2021. Collection method: clinical testing. Allele origin: germline. Affected: yes.
Comment: Not observed at significant frequency in large population cohorts (gnomAD); In silico analysis indicates that this missense variant does not alter protein structure/function; Has not been previously published as pathogenic or benign to our knowledge

NM_001303256.3(MORC2):c.2323G>C (p.Glu775Gln)

Gene: MORC2 (MORC family CW-type zinc finger 2; minus strand). Cytogenetic location: 22q12.2.
Variant type: single nucleotide variant.
Coding change: c.2323G>C on transcript NM_001303256.3 (MANE Select); coding-DNA position 2323, G replaced by C.
Protein change: p.Glu775Gln; replaces glutamic acid 775 with glutamine.
Molecular consequence: missense variant.
Genome position (GRCh38, 1-based): chr22:30,934,062, C>G on the plus strand (G>C on the coding strand, the complement: MORC2 is on the minus strand). VCF-style: chr22-30934062-C-G. GRCh37 (hg19) VCF-style: chr22-31330049-C-G.
Other names: c.2323G>C, p.Glu775Gln (NM_001303257.2); c.2137G>C, p.Glu713Gln (NM_014941.3); short protein forms E713Q, E775Q.
Identifiers: ClinVar variation 3897319 (VCV003897319.1).
Genomic context (GRCh38, chr22:30,934,062, plus strand): 5'-GGTGGGGGCTGCAGGCCCTAGAGAGAGAGGCTTTGAGAACCTCACCTCAACCACTCACCT[C>G]ATTCGAGTCCTTCTTTTCCTCCTTCACAACAAATCTGCCCCGCTTGCACCTCTCCTTCCT-3'
Protein context (NP_001290185.1, residues 765-785): VVKEEKKDSN[Glu775Gln]LSDSAGEEDS